The following is an entry in ClinVar:

ClinVar aggregate classification (germline): Uncertain significance (1 of 4 stars; one submission).

Conditions:
Autosomal recessive polycystic kidney disease (ARPKD). Also called: AR polycystic kidney disease. Identifiers: Orphanet 731, Orphanet 8378, MedGen C0085548, MeSH D017044, MONDO:0009889.

Submission:

Labcorp Genetics (formerly Invitae), Labcorp
Classification: Uncertain significance for Autosomal recessive polycystic kidney disease. Last evaluated: 2022-02-03. Review status: criteria provided, single submitter. Criteria: Invitae Variant Classification Sherloc (09022015). Collection method: clinical testing. Allele origin: germline.
Comment: In summary, the available evidence is currently insufficient to determine the role of this variant in disease. Therefore, it has been classified as a Variant of Uncertain Significance. Advanced modeling of protein sequence and biophysical properties (such as structural, functional, and spatial information, amino acid conservation, physicochemical variation, residue mobility, and thermodynamic stability) performed at Invitae indicates that this missense variant is not expected to disrupt PKHD1 protein function. This variant has not been reported in the literature in individuals affected with PKHD1-related conditions. This variant is not present in population databases (gnomAD no frequency). This sequence change replaces alanine, which is neutral and non-polar, with threonine, which is neutral and polar, at codon 1675 of the PKHD1 protein (p.Ala1675Thr).

NM_138694.4(PKHD1):c.5023G>A (p.Ala1675Thr)

Genes: PKHD1 (PKHD1 ciliary IPT domain containing fibrocystin/polyductin; minus strand), LOC126859690 (MED14-independent group 3 enhancer GRCh37_chr6:51888848-51890047; plus strand). Cytogenetic location: 6p12.2.
Variant type: single nucleotide variant.
Coding change: c.5023G>A on transcript NM_138694.4 (MANE Select); coding-DNA position 5023, G replaced by A.
Protein change: p.Ala1675Thr; replaces alanine 1675 with threonine.
Molecular consequence: missense variant.
Genome position (GRCh38, 1-based): chr6:52,024,787, C>T on the plus strand (G>A on the coding strand, the complement: PKHD1 is on the minus strand). VCF-style: chr6-52024787-C-T. GRCh37 (hg19) VCF-style: chr6-51889585-C-T.
Other names: c.5023G>A, p.Ala1675Thr (NM_170724.3); short protein forms A1675T.
Identifiers: ClinVar variation 1432392 (VCV001432392.8), dbSNP rs1801889887, ClinGen allele CA364430041.